The following is an entry in ClinVar:

NM_020207.7(ERCC6L2):c.716T>C (p.Val239Ala)

Gene: ERCC6L2 (ERCC excision repair 6 like 2; plus strand). Cytogenetic location: 9q22.32.
Variant type: single nucleotide variant.
Coding change: c.716T>C on transcript NM_020207.7 (MANE Select); coding-DNA position 716, T replaced by C.
Protein change: p.Val239Ala; replaces valine 239 with alanine.
Molecular consequence: missense variant. On other transcripts: non-coding transcript variant (1).
Genome position (GRCh38, 1-based): chr9:95,907,199, T>C. VCF-style: chr9-95907199-T-C. GRCh37 (hg19) VCF-style: chr9-98669481-T-C.
Other names: c.716T>C, p.Val239Ala (NM_001010895.4, NM_001375291.1, NM_001375292.1 and 2 more transcripts); short protein forms V239A.
Identifiers: ClinVar variation 4019405 (VCV004019405.1).
Genomic context (GRCh38, chr9:95,907,199, plus strand): 5'-GGGGATATTTCAGAGTCACTGTTTTACATGGAAACAGAAAAGATAATGAATTAATTCGTG[T>C]AAAGCAGAGGAAATGTGAAATTGCTCTAACAACTTATGAAACACTACGCTTATGCCTGGA-3'
Protein context (NP_064592.3, residues 229-249): GNRKDNELIR[Val239Ala]KQRKCEIALT

ClinVar aggregate classification (germline): Uncertain significance (1 of 4 stars; one submission).

Conditions:
Inborn genetic diseases. Identifiers: MedGen C0950123, MeSH D030342.

Submission:

Ambry Genetics
Classification: Uncertain significance for Inborn genetic diseases. Last evaluated: 2025-06-09. Review status: criteria provided, single submitter. Criteria: Ambry Variant Classification Scheme 2023. Collection method: clinical testing. Allele origin: germline.
Comment: The p.V239A variant (also known as c.716T>C), located in coding exon 4 of the ERCC6L2 gene, results from a T to C substitution at nucleotide position 716. The valine at codon 239 is replaced by alanine, an amino acid with similar properties. This amino acid position is conserved. In addition, this alteration is predicted to be tolerated by in silico analysis. Based on the available evidence, the clinical significance of this variant remains unclear.